The following is an entry in ClinVar:

ClinVar aggregate classification (germline): Benign (1 of 4 stars; one submission).

Conditions:
Tuberous sclerosis 1 (TSC1). Identifiers: Orphanet 805, MedGen C1854465, MONDO:0008612, OMIM 191100.

Submission:

Myriad Genetics, Inc.
Classification: Benign for Tuberous sclerosis 1. Last evaluated: 2025-04-08. Review status: criteria provided, single submitter. Criteria: Myriad Autosomal Dominant, Autosomal Recessive and X-Linked Classification Criteria (2023). Collection method: clinical testing. Allele origin: unknown.
Comment: This variant is considered benign. This variant is a silent/synonymous amino acid change and it is not expected to impact splicing.

NM_000368.5(TSC1):c.477C>G (p.Gly159=)

Gene: TSC1 (TSC complex subunit 1; minus strand). Cytogenetic location: 9q34.13.
Variant type: single nucleotide variant.
Coding change: c.477C>G on transcript NM_000368.5 (MANE Select); coding-DNA position 477, C replaced by G.
Protein change: p.Gly159=; no amino-acid change (glycine 159 retained).
Molecular consequence: synonymous variant. On other transcripts: non-coding transcript variant (5), 5 prime UTR variant (5).
Genome position (GRCh38, 1-based): chr9:132,923,379, G>C on the plus strand (C>G on the coding strand, the complement: TSC1 is on the minus strand). VCF-style: chr9-132923379-G-C. GRCh37 (hg19) VCF-style: chr9-135798766-G-C.
Other names: c.477C>G, p.Gly159= (NM_001162426.2, NM_001406592.1, NM_001406593.1 and 16 more transcripts); c.324C>G, p.Gly108= (NM_001162427.2, NM_001406610.1, NM_001406611.1 and 2 more transcripts); c.114C>G, p.Gly38= (NM_001362177.2, NM_001406614.1, NM_001406615.1 and 10 more transcripts); c.-401C>G (NM_001406626.1, NM_001406627.1, NM_001406628.1); c.-543C>G (NM_001406629.1); c.-617C>G (NM_001406630.1).
Identifiers: ClinVar variation 4071293 (VCV004071293.1).